The following is an entry in ClinVar:

ClinVar aggregate classification (germline): Conflicting classifications of pathogenicity. Review status: criteria provided, conflicting classifications (1 of 4 stars). 7 submissions from 7 submitters: Uncertain significance (5); Benign (1); Likely benign (1). Last evaluated 2025-01-01.

Conditions:
Autosomal recessive limb-girdle muscular dystrophy type 2J (LGMDR10). Also called: Limb-girdle muscular dystrophy, type 2J; MUSCULAR DYSTROPHY, LIMB-GIRDLE, AUTOSOMAL RECESSIVE 10. Identifiers: Orphanet 140922, MedGen C1837342, MONDO:0012127, OMIM 608807.
Dilated cardiomyopathy 1G (CMD1G). Identifiers: Orphanet 154, MedGen C1858763, MONDO:0011400, OMIM 604145.

Allele frequency attached by ClinVar (database versions not stated): gnomAD 0.00009; gnomAD exomes 0.00009 and 0.00017; TOPMed 0.00010; ExAC 0.00013; ESP Exome Variant Server 0.00018.
gnomAD v4.1: 248 of 1,566,146 alleles (0.016%); highest among the groups gnomAD compares: Non-Finnish European, 0.02%; no homozygotes.

Submissions (7):

CeGaT Center for Human Genetics Tuebingen
Classification: Uncertain significance. Last evaluated: 2025-01-01. Review status: criteria provided, single submitter. Criteria: CeGaT Center For Human Genetics Tuebingen Variant Classification Criteria Version 2. Collection method: clinical testing. Allele origin: germline. Affected: yes. Observed: 2 variant alleles.
Comment: TTN: PM2, BP4

Women's Health and Genetics/Laboratory Corporation of America, LabCorp
Classification: Uncertain significance. Last evaluated: 2024-01-08. Review status: criteria provided, single submitter. Criteria: LabCorp Variant Classification Summary - May 2015. Collection method: clinical testing. Allele origin: germline.

Blueprint Genetics
Classification: Benign. Last evaluated: 2023-05-09. Review status: criteria provided, single submitter. Criteria: ACMG Guidelines, 2015. Collection method: clinical testing. Allele origin: germline.

Revvity Omics, Revvity
Classification: Uncertain significance. Last evaluated: 2022-04-12. Review status: criteria provided, single submitter. Criteria: ACMG Guidelines, 2015. Collection method: clinical testing. Allele origin: germline.

GeneDx
Classification: Likely benign. Last evaluated: 2018-09-25. Review status: criteria provided, single submitter. Criteria: GeneDx Variant Classification Process June 2021. Collection method: clinical testing. Allele origin: germline. Affected: yes.

Labcorp Genetics (formerly Invitae), Labcorp
Classification: Uncertain significance for Dilated cardiomyopathy 1G; Autosomal recessive limb-girdle muscular dystrophy type 2J. Last evaluated: 2018-01-09. Review status: criteria provided, single submitter. Criteria: Invitae Variant Classification Sherloc (09022015). Collection method: clinical testing. Allele origin: germline.

Eurofins Ntd Llc (ga)
Classification: Uncertain significance. Last evaluated: 2017-10-10. Review status: criteria provided, single submitter. Criteria: EGL Classification Definitions 2015. Collection method: clinical testing. Allele origin: germline. Observed: 3 variant alleles, 3 heterozygotes.

NM_001267550.2(TTN):c.34982T>C (p.Val11661Ala)

Gene: TTN (titin; minus strand). Cytogenetic location: 2q31.2.
Variant type: single nucleotide variant.
Coding change: c.34982T>C on transcript NM_001267550.2 (MANE Select); coding-DNA position 34982, T replaced by C.
Protein change: p.Val11661Ala; replaces valine 11661 with alanine.
Molecular consequence: missense variant. On other transcripts: intron variant (3).
Genome position (GRCh38, 1-based): chr2:178,672,216, A>G on the plus strand (T>C on the coding strand, the complement: TTN is on the minus strand). VCF-style: chr2-178672216-A-G. GRCh37 (hg19) VCF-style: chr2-179536943-A-G.
Other names: p.V11287A:GTA>GCA; c.33860T>C, p.Val11287Ala (NM_001256850.1); c.31079T>C, p.Val10360Ala (NM_133378.4); c.13283-29899T>C (NM_003319.4); c.13859-29899T>C (NM_133437.4); c.13658-29899T>C (NM_133432.3); short protein forms V11287A, V11661A, V10360A.
Identifiers: ClinVar variation 202594 (VCV000202594.43), dbSNP rs199561793, ClinGen allele CA309698.